The following is an entry in ClinVar:

NM_020693.4(DSCAML1):c.6044G>A (p.Gly2015Asp)

Gene: DSCAML1 (DS cell adhesion molecule like 1; minus strand). Cytogenetic location: 11q23.3.
Variant type: single nucleotide variant.
Coding change: c.6044G>A on transcript NM_020693.4 (MANE Select); coding-DNA position 6044, G replaced by A.
Protein change: p.Gly2015Asp; replaces glycine 2015 with aspartic acid.
Molecular consequence: missense variant.
Genome position (GRCh38, 1-based): chr11:117,428,446, C>T on the plus strand (G>A on the coding strand, the complement: DSCAML1 is on the minus strand). VCF-style: chr11-117428446-C-T. GRCh37 (hg19) VCF-style: chr11-117299162-C-T.
Other names: short protein forms G2015D.
Identifiers: ClinVar variation 2166152 (VCV002166152.4), dbSNP rs916593525, ClinGen allele CA229391528.
Genomic context (GRCh38, chr11:117,428,446, plus strand): 5'-ACCCCCGATGTGCTCATCTCGAGAAGCGAGTCCCTGGAGCCCCCCATTTTGGTGTGTGGG[C>T]CCCCGGCTCGTGGAGGCTCGGTGCTGGGGGCCGGAGGGGCAGCGCTGGGGGCGGTGGGTG-3'
Protein context (NP_065744.3, residues 2005-2025): APSTEPPRAG[Gly2015Asp]PHTKMGGSRD

ClinVar aggregate classification (germline): Uncertain significance (1 of 4 stars; one submission).

Allele frequency attached by ClinVar (database versions not stated): TOPMed 0.00001.
gnomAD v4.1: 27 of 1,537,332 alleles (0.0018%); highest among the groups gnomAD compares: South Asian, 0.021%; no homozygotes.

Submission:

Labcorp Genetics (formerly Invitae), Labcorp
Classification: Uncertain significance. Last evaluated: 2022-05-20. Review status: criteria provided, single submitter. Criteria: Invitae Variant Classification Sherloc (09022015). Collection method: clinical testing. Allele origin: germline.
Comment: Algorithms developed to predict the effect of missense changes on protein structure and function (SIFT, PolyPhen-2, Align-GVGD) all suggest that this variant is likely to be tolerated. This variant has not been reported in the literature in individuals affected with DSCAML1-related conditions. This variant is present in population databases (no rsID available, gnomAD 0.01%). This sequence change replaces glycine, which is neutral and non-polar, with aspartic acid, which is acidic and polar, at codon 2075 of the DSCAML1 protein (p.Gly2075Asp). In summary, the available evidence is currently insufficient to determine the role of this variant in disease. Therefore, it has been classified as a Variant of Uncertain Significance.